The following is an entry in ClinVar:

ClinVar aggregate classification (germline): Uncertain significance (1 of 4 stars; one submission).

Conditions:
Early-infantile DEE. Also called: Early infantile epileptic encephalopathy with suppression bursts; Early infantile epileptic encephalopathy; Ohtahara syndrome. Identifiers: Orphanet 1934, MedGen C0393706, MONDO:0800491.

Submission:

Labcorp Genetics (formerly Invitae), Labcorp
Classification: Uncertain significance for Early-infantile DEE. Last evaluated: 2022-09-21. Review status: criteria provided, single submitter. Criteria: Invitae Variant Classification Sherloc (09022015). Collection method: clinical testing. Allele origin: germline.
Comment: This variant is not present in population databases (gnomAD no frequency). This sequence change replaces asparagine, which is neutral and polar, with isoleucine, which is neutral and non-polar, at codon 234 of the SPTAN1 protein (p.Asn234Ile). This variant has not been reported in the literature in individuals affected with SPTAN1-related conditions. Algorithms developed to predict the effect of missense changes on protein structure and function (SIFT, PolyPhen-2, Align-GVGD) all suggest that this variant is likely to be disruptive. In summary, the available evidence is currently insufficient to determine the role of this variant in disease. Therefore, it has been classified as a Variant of Uncertain Significance.

NM_001130438.3(SPTAN1):c.701A>T (p.Asn234Ile)

Gene: SPTAN1 (spectrin alpha, non-erythrocytic 1; plus strand). Cytogenetic location: 9q34.11.
Variant type: single nucleotide variant.
Coding change: c.701A>T on transcript NM_001130438.3 (MANE Select); coding-DNA position 701, A replaced by T.
Protein change: p.Asn234Ile; replaces asparagine 234 with isoleucine.
Molecular consequence: missense variant.
Genome position (GRCh38, 1-based): chr9:128,576,872, A>T. VCF-style: chr9-128576872-A-T. GRCh37 (hg19) VCF-style: chr9-131339151-A-T.
Other names: c.701A>T, p.Asn234Ile (NM_001195532.2, NM_001363759.2, NM_001363765.2 and 5 more transcripts); c.737A>T, p.Asn246Ile (NM_001375312.2, NM_001375318.1); short protein forms N234I, N246I.
Identifiers: ClinVar variation 1719980 (VCV001719980.5), dbSNP rs752578570, ClinGen allele CA375048115.
Genomic context (GRCh38, chr9:128,576,872, plus strand): 5'-TCCTTGTTTAGGAGCAGCACCCTGAGGAGGAACTGATCAAGACTAAGCAGGATGAAGTCA[A>T]TGCAGCCTGGCAGCGGCTGAAGGGCCTGGCTCTGCAGAGGCAGGGGAAGCTCTTTGGGGC-3'
Protein context (NP_001123910.1, residues 224-244): ELIKTKQDEV[Asn234Ile]AAWQRLKGLA